The following is an entry in ClinVar:

NM_003179.3(SYP):c.227+83G>T

Gene: SYP (synaptophysin; minus strand). Cytogenetic location: Xp11.23.
Variant type: single nucleotide variant.
Coding change: c.227+83G>T on transcript NM_003179.3 (MANE Select); 83 bases into the intron after coding-DNA position 227, G replaced by T.
Molecular consequence: intron variant.
Genome position (GRCh38, 1-based): chrX:49,197,632, C>A on the plus strand (G>T on the coding strand, the complement: SYP is on the minus strand). VCF-style: chrX-49197632-C-A. GRCh37 (hg19) VCF-style: chrX-49054091-C-A.
Identifiers: ClinVar variation 2660518 (VCV002660518.24), dbSNP rs188203437, ClinGen allele CA10409811.

ClinVar aggregate classification (germline): Likely benign (1 of 4 stars; one submission).

Allele frequency attached by ClinVar (database versions not stated): gnomAD exomes 0.00006; TOPMed 0.00034; gnomAD 0.00040; ExAC 0.00108; 1000 Genomes Project 0.00132; 1000 Genomes Project 30x 0.00166.
gnomAD v4.1: 141 of 1,148,768 alleles (0.012%); highest among the groups gnomAD compares: East Asian, 0.26%; 1 homozygote.

Submission:

CeGaT Center for Human Genetics Tuebingen
Classification: Likely benign. Last evaluated: 2023-01-01. Review status: criteria provided, single submitter. Criteria: CeGaT Center For Human Genetics Tuebingen Variant Classification Criteria Version 2. Collection method: clinical testing. Allele origin: germline. Affected: yes. Observed: 1 variant allele.
Comment: SYP: BS2